The following is an entry in ClinVar:

ClinVar aggregate classification (germline): Uncertain significance (1 of 4 stars; one submission).

Conditions:
Cardiovascular phenotype. Identifiers: MedGen CN230736.

Allele frequency attached by ClinVar (database versions not stated): gnomAD 0.00001; gnomAD exomes 0.00001; ExAC 0.00002.
gnomAD v4.1: 13 of 1,577,132 alleles (0.00082%); highest among the groups gnomAD compares: South Asian, 0.012%; no homozygotes.

Submission:

Ambry Genetics
Classification: Uncertain significance for Cardiovascular phenotype. Last evaluated: 2022-11-20. Review status: criteria provided, single submitter. Criteria: Ambry Variant Classification Scheme 2023. Collection method: clinical testing. Allele origin: germline.
Comment: The p.G3451E variant (also known as c.10352G>A), located in coding exon 30 of the TNXB gene, results from a G to A substitution at nucleotide position 10352. The glycine at codon 3451 is replaced by glutamic acid, an amino acid with similar properties. This amino acid position is conserved. In addition, this alteration is predicted to be tolerated by in silico analysis. Since supporting evidence is limited at this time, the clinical significance of this alteration remains unclear.

NM_001365276.2(TNXB):c.10358G>A (p.Gly3453Glu)

Gene: TNXB (tenascin XB; minus strand). Cytogenetic location: 6p21.33.
Variant type: single nucleotide variant.
Coding change: c.10358G>A on transcript NM_001365276.2 (MANE Select); coding-DNA position 10358, G replaced by A.
Protein change: p.Gly3453Glu; replaces glycine 3453 with glutamic acid.
Molecular consequence: missense variant.
Genome position (GRCh38, 1-based): chr6:32,046,423, C>T on the plus strand (G>A on the coding strand, the complement: TNXB is on the minus strand). VCF-style: chr6-32046423-C-T. GRCh37 (hg19) VCF-style: chr6-32014200-C-T.
Other names: c.10352G>A, p.Gly3451Glu (NM_019105.8); short protein forms G3451E, G3453E.
Identifiers: ClinVar variation 2451126 (VCV002451126.2), dbSNP rs759385589, ClinGen allele CA3733247.